The following is an entry in ClinVar:

ClinVar aggregate classification (germline): Likely benign. Review status: criteria provided, multiple submitters, no conflicts (2 of 4 stars). 2 submissions from 2 submitters: Likely benign (2). Last evaluated 2023-09-28.

Conditions:
Early Myoclonic Encephalopathy. Identifiers: MedGen C0270855.

Allele frequency attached by ClinVar (database versions not stated): ExAC 0.00002; gnomAD exomes 0.00002 and 0.00003.
gnomAD v4.1: 41 of 1,612,746 alleles (0.0025%); highest among the groups gnomAD compares: Middle Eastern, 0.017%; no homozygotes.

Submissions (2):

Labcorp Genetics (formerly Invitae), Labcorp
Classification: Likely benign for Early Myoclonic Encephalopathy. Last evaluated: 2023-09-28. Review status: criteria provided, single submitter. Criteria: Invitae Variant Classification Sherloc (09022015). Collection method: clinical testing. Allele origin: germline.

CeGaT Center for Human Genetics Tuebingen
Classification: Likely benign. Last evaluated: 2023-04-01. Review status: criteria provided, single submitter. Criteria: CeGaT Center For Human Genetics Tuebingen Variant Classification Criteria Version 2. Collection method: clinical testing. Allele origin: germline. Affected: yes. Observed: 1 variant allele.
Comment: KCND2: BP4, BP7

NM_012281.3(KCND2):c.1758A>G (p.Leu586=)

Gene: KCND2 (potassium voltage-gated channel subfamily D member 2; plus strand). Cytogenetic location: 7q31.31.
Variant type: single nucleotide variant.
Coding change: c.1758A>G on transcript NM_012281.3 (MANE Select); coding-DNA position 1758, A replaced by G.
Protein change: p.Leu586=; no amino-acid change (leucine 586 retained).
Molecular consequence: synonymous variant.
Genome position (GRCh38, 1-based): chr7:120,747,723, A>G. VCF-style: chr7-120747723-A-G. GRCh37 (hg19) VCF-style: chr7-120387777-A-G.
Identifiers: ClinVar variation 745014 (VCV000745014.34), dbSNP rs533375794, ClinGen allele CA4453756.